The following is an entry in ClinVar:

ClinVar aggregate classification (germline): Uncertain significance (1 of 4 stars; one submission).

Conditions:
EPILEPSY, CHILDHOOD ABSENCE, SUSCEPTIBILITY TO, 2 (ECA2). Identifiers: Orphanet 64280, MedGen C1843244, OMIM 607681.
Febrile seizures, familial, 8 (FEB8). Also called: CONVULSIONS, FAMILIAL FEBRILE, 8. Identifiers: Orphanet 36387, MedGen C1969810, MONDO:0011891, OMIM 607681.

Submission:

Labcorp Genetics (formerly Invitae), Labcorp
Classification: Uncertain significance for Febrile seizures, familial, 8; EPILEPSY, CHILDHOOD ABSENCE, SUSCEPTIBILITY TO, 2. Last evaluated: 2023-09-27. Review status: criteria provided, single submitter. Criteria: Invitae Variant Classification Sherloc (09022015). Collection method: clinical testing. Allele origin: germline.
Comment: This sequence change replaces tyrosine, which is neutral and polar, with histidine, which is basic and polar, at codon 353 of the GABRG2 protein (p.Tyr353His). This variant is not present in population databases (gnomAD no frequency). This variant has not been reported in the literature in individuals affected with GABRG2-related conditions. Advanced modeling of protein sequence and biophysical properties (such as structural, functional, and spatial information, amino acid conservation, physicochemical variation, residue mobility, and thermodynamic stability) performed at Invitae indicates that this missense variant is expected to disrupt GABRG2 protein function. In summary, the available evidence is currently insufficient to determine the role of this variant in disease. Therefore, it has been classified as a Variant of Uncertain Significance.

NM_198904.4(GABRG2):c.1057T>C (p.Tyr353His)

Gene: GABRG2 (gamma-aminobutyric acid type A receptor subunit gamma2; plus strand). Cytogenetic location: 5q34.
Variant type: single nucleotide variant.
Coding change: c.1057T>C on transcript NM_198904.4 (MANE Select); coding-DNA position 1057, T replaced by C.
Protein change: p.Tyr353His; replaces tyrosine 353 with histidine.
Molecular consequence: missense variant. On other transcripts: intron variant (1).
Genome position (GRCh38, 1-based): chr5:162,149,242, T>C. VCF-style: chr5-162149242-T-C. GRCh37 (hg19) VCF-style: chr5-161576248-T-C.
Other names: c.1057T>C, p.Tyr353His (NM_000816.3); c.1048T>C, p.Tyr350His (NM_001375339.1); c.1054T>C, p.Tyr352His (NM_001375341.1, NM_001375342.1); c.1177T>C, p.Tyr393His (NM_001375343.1, NM_198903.2); c.1096T>C, p.Tyr366His (NM_001375344.1); c.991T>C, p.Tyr331His (NM_001375345.1, NM_001375346.1); c.970T>C, p.Tyr324His (NM_001375347.1); c.637T>C, p.Tyr213His (NM_001375348.1, NM_001375350.1); and 2 more; short protein forms Y324H, Y213H, Y350H, Y352H, Y258H, Y331H, Y366H, Y353H.
Identifiers: ClinVar variation 2952322 (VCV002952322.3), dbSNP rs2532756728, ClinGen allele CA362182582.
Genomic context (GRCh38, chr5:162,149,242, plus strand): 5'-ACAGCGATGGATCTCTTTGTATCTGTTTGTTTCATCTTTGTCTTCTCTGCTCTGGTGGAG[T>C]ATGGCACCTTGCATTATTTTGTCAGCAACCGGAAACCAAGCAAGGACAAAGATAAAAAGA-3'
Protein context (NP_944494.1, residues 343-363): FIFVFSALVE[Tyr353His]GTLHYFVSNR